The following is an entry in ClinVar:

NM_001384732.1(CPLANE1):c.3389T>C (p.Phe1130Ser)

Gene: CPLANE1 (ciliogenesis and planar polarity effector complex subunit 1; minus strand). Cytogenetic location: 5p13.2.
Variant type: single nucleotide variant.
Coding change: c.3389T>C on transcript NM_001384732.1 (MANE Select); coding-DNA position 3389, T replaced by C.
Protein change: p.Phe1130Ser; replaces phenylalanine 1130 with serine.
Molecular consequence: missense variant.
Genome position (GRCh38, 1-based): chr5:37,201,709, A>G on the plus strand (T>C on the coding strand, the complement: CPLANE1 is on the minus strand). VCF-style: chr5-37201709-A-G. GRCh37 (hg19) VCF-style: chr5-37201811-A-G.
Other names: c.3389T>C, p.Phe1130Ser (NM_023073.4); short protein forms F1130S.
Identifiers: ClinVar variation 1948672 (VCV001948672.5), dbSNP rs984628582, ClinGen allele CA117078929.

ClinVar aggregate classification (germline): Uncertain significance (1 of 4 stars; one submission).

Allele frequency attached by ClinVar (database versions not stated): gnomAD 0.00001; gnomAD exomes 0.00001; TOPMed 0.00001.
gnomAD v4.1: 15 of 1,613,996 alleles (0.00093%); highest among the groups gnomAD compares: Non-Finnish European, 0.0013%; no homozygotes.

Submission:

Labcorp Genetics (formerly Invitae), Labcorp
Classification: Uncertain significance. Last evaluated: 2022-07-06. Review status: criteria provided, single submitter. Criteria: Invitae Variant Classification Sherloc (09022015). Collection method: clinical testing. Allele origin: germline.
Comment: In summary, the available evidence is currently insufficient to determine the role of this variant in disease. Therefore, it has been classified as a Variant of Uncertain Significance. Algorithms developed to predict the effect of missense changes on protein structure and function are either unavailable or do not agree on the potential impact of this missense change (SIFT: "Deleterious"; PolyPhen-2: "Probably Damaging"; Align-GVGD: "Class C0"). This variant has not been reported in the literature in individuals affected with CPLANE1-related conditions. This variant is present in population databases (no rsID available, gnomAD 0.0009%). This sequence change replaces phenylalanine, which is neutral and non-polar, with serine, which is neutral and polar, at codon 1130 of the CPLANE1 protein (p.Phe1130Ser).